The following is an entry in ClinVar:

NM_005631.5(SMO):c.537G>A (p.Thr179=)

Gene: SMO (smoothened, frizzled class receptor; plus strand). Cytogenetic location: 7q32.1.
Variant type: single nucleotide variant.
Coding change: c.537G>A on transcript NM_005631.5 (MANE Select); coding-DNA position 537, G replaced by A.
Protein change: p.Thr179=; no amino-acid change (threonine 179 retained).
Molecular consequence: synonymous variant.
Genome position (GRCh38, 1-based): chr7:129,203,589, G>A. VCF-style: chr7-129203589-G-A. GRCh37 (hg19) VCF-style: chr7-128843430-G-A.
Identifiers: ClinVar variation 2672182 (VCV002672182.14), dbSNP rs755206422, ClinGen allele CA4479111.

ClinVar aggregate classification (germline): Conflicting classifications of pathogenicity. Review status: criteria provided, conflicting classifications (1 of 4 stars). 2 submissions from 2 submitters: Uncertain significance (1); Likely benign (1). Last evaluated 2024-12-01.

Conditions:
Curry-Jones syndrome (CRJS). Identifiers: Orphanet 1553, MedGen C0795915, MONDO:0011134, OMIM 601707.

Allele frequency attached by ClinVar (database versions not stated): ExAC 0.00032.

Submissions (2):

CeGaT Center for Human Genetics Tuebingen
Classification: Likely benign. Last evaluated: 2024-12-01. Review status: criteria provided, single submitter. Criteria: CeGaT Center For Human Genetics Tuebingen Variant Classification Criteria Version 2. Collection method: clinical testing. Allele origin: germline. Affected: yes. Observed: 1 variant allele.
Comment: SMO: BP4, BP7

Clinical Genomics Laboratory, Washington University in St. Louis
Classification: Uncertain significance for Curry-Jones syndrome. Last evaluated: 2023-11-02. Review status: criteria provided, single submitter. Criteria: ACMG Guidelines, 2015. Collection method: clinical testing. Allele origin: germline.
Comment: The SMO c.537G>A (p.Thr179=) variant was identified at a near heterozygous allelic fraction of 49%, a frequency which may be consistent with it being of germline origin. This variant, to our knowledge, has not been reported in the medical literature and is only observed on 21/152,190 alleles in the general population (gnomAD v.3.1.2), indicating it is not a common variant. Due to limited information and based on ACMG/AMP guidelines for variant interpretation (Richards S et al., PMID: 25741868), the clinical significance of this variant is uncertain at this time.